The following is an entry in ClinVar:

NM_017802.4(DNAAF5):c.607A>G (p.Met203Val)

Gene: DNAAF5 (dynein axonemal assembly factor 5; plus strand). Cytogenetic location: 7p22.3.
Variant type: single nucleotide variant.
Coding change: c.607A>G on transcript NM_017802.4 (MANE Select); coding-DNA position 607, A replaced by G.
Protein change: p.Met203Val; replaces methionine 203 with valine.
Molecular consequence: missense variant.
Genome position (GRCh38, 1-based): chr7:729,674, A>G. VCF-style: chr7-729674-A-G. GRCh37 (hg19) VCF-style: chr7-769311-A-G.
Other names: short protein forms M203V.
Identifiers: ClinVar variation 838731 (VCV000838731.18), dbSNP rs1194482161, ClinGen allele CA366531565.

ClinVar aggregate classification (germline): Uncertain significance (1 of 4 stars; one submission).

Conditions:
Primary ciliary dyskinesia. Also called: Ciliary dyskinesia. Identifiers: Orphanet 244, MedGen C0008780, MONDO:0016575, HP:0012265.

Allele frequency attached by ClinVar (database versions not stated): gnomAD exomes below 0.00001; TOPMed below 0.00001; gnomAD 0.00001.
gnomAD v4.1: 8 of 1,613,686 alleles (0.0005%); highest among the groups gnomAD compares: East Asian, 0.0022%; no homozygotes.

Submission:

Labcorp Genetics (formerly Invitae), Labcorp
Classification: Uncertain significance for Primary ciliary dyskinesia. Last evaluated: 2024-05-13. Review status: criteria provided, single submitter. Criteria: Invitae Variant Classification Sherloc (09022015). Collection method: clinical testing. Allele origin: germline.
Comment: This sequence change replaces methionine, which is neutral and non-polar, with valine, which is neutral and non-polar, at codon 203 of the DNAAF5 protein (p.Met203Val). This variant is not present in population databases (gnomAD no frequency). This variant has not been reported in the literature in individuals affected with DNAAF5-related conditions. ClinVar contains an entry for this variant (Variation ID: 838731). Advanced modeling of protein sequence and biophysical properties (such as structural, functional, and spatial information, amino acid conservation, physicochemical variation, residue mobility, and thermodynamic stability) performed at Invitae indicates that this missense variant is expected to disrupt DNAAF5 protein function with a positive predictive value of 80%. In summary, the available evidence is currently insufficient to determine the role of this variant in disease. Therefore, it has been classified as a Variant of Uncertain Significance.